The following is an entry in ClinVar:

NM_004990.4(MARS1):c.68G>A (p.Arg23Gln)

Genes: MARS1 (methionyl-tRNA synthetase 1; plus strand), ARHGAP9 (Rho GTPase activating protein 9; minus strand). Cytogenetic location: 12q13.3.
Variant type: single nucleotide variant.
Coding change: c.68G>A on transcript NM_004990.4 (MANE Select); coding-DNA position 68, G replaced by A.
Protein change: p.Arg23Gln; replaces arginine 23 with glutamine.
Molecular consequence: missense variant. On other transcripts: intron variant (1).
Genome position (GRCh38, 1-based): chr12:57,488,158, G>A. VCF-style: chr12-57488158-G-A. GRCh37 (hg19) VCF-style: chr12-57881941-G-A.
Other names: c.-204+454C>T (NM_001319850.2); short protein forms R23Q.
Identifiers: ClinVar variation 1681669 (VCV001681669.9), dbSNP rs1247809884, ClinGen allele CA385490063.

ClinVar aggregate classification (germline): Uncertain significance (1 of 4 stars; one submission).

Conditions:
Severe early-onset pulmonary alveolar proteinosis due to MARS deficiency. Also called: PULMONARY ALVEOLAR PROTEINOSIS, REUNION ISLAND; Interstitial lung and liver disease. Identifiers: Orphanet 440427, MedGen C4225400, MONDO:0014206, OMIM 615486.
Charcot-Marie-Tooth disease axonal type 2U. Also called: CHARCOT-MARIE-TOOTH NEUROPATHY, TYPE 2U; CHARCOT-MARIE-TOOTH DISEASE, AXONAL, AUTOSOMAL DOMINANT, TYPE 2U. Identifiers: Orphanet 397735, MedGen C4084821, MONDO:0014566, OMIM 616280.

gnomAD v4.1: 1 of 1,614,162 alleles (0.000062%); highest among the groups gnomAD compares: Non-Finnish European, 0.000085%; no homozygotes.

Submission:

Labcorp Genetics (formerly Invitae), Labcorp
Classification: Uncertain significance for Charcot-Marie-Tooth disease axonal type 2U; Severe early-onset pulmonary alveolar proteinosis due to MARS deficiency. Last evaluated: 2021-03-07. Review status: criteria provided, single submitter. Criteria: Invitae Variant Classification Sherloc (09022015). Collection method: clinical testing. Allele origin: germline.
Comment: In summary, the available evidence is currently insufficient to determine the role of this variant in disease. Therefore, it has been classified as a Variant of Uncertain Significance. This sequence change replaces arginine with glutamine at codon 23 of the MARS protein (p.Arg23Gln). The arginine residue is weakly conserved and there is a small physicochemical difference between arginine and glutamine. This variant is not present in population databases (ExAC no frequency). This variant has not been reported in the literature in individuals with MARS-related conditions. Algorithms developed to predict the effect of missense changes on protein structure and function output the following: SIFT: "Tolerated"; PolyPhen-2: "Benign"; Align-GVGD: "Class C0". The glutamine amino acid residue is found in multiple mammalian species, suggesting that this missense change does not adversely affect protein function. These predictions have not been confirmed by published functional studies and their clinical significance is uncertain.